The following is an entry in ClinVar:

ClinVar aggregate classification (germline): Likely benign (1 of 4 stars; one submission).

Allele frequency attached by ClinVar (database versions not stated): TOPMed 0.00007 and 0.00003.
gnomAD v4.1: 75 of 1,366,886 alleles (0.0055%); highest among the groups gnomAD compares: East Asian, 0.28%; 1 homozygote.

Submission:

GeneDx
Classification: Likely benign. Last evaluated: 2013-03-28. Review status: criteria provided, single submitter. Criteria: GeneDx Variant Classification (06012015). Collection method: clinical testing. Allele origin: germline. Affected: yes.
Comment: This variant is considered likely benign or benign based on one or more of the following criteria: it is a conservative change, it occurs at a poorly conserved position in the protein, it is predicted to be benign by multiple in silico algorithms, and/or has population frequency not consistent with disease.

NM_001330078.2(NRXN1):c.3365-109992C>T

Gene: NRXN1 (neurexin 1; minus strand). Cytogenetic location: 2p16.3.
Variant type: single nucleotide variant.
Coding change: c.3365-109992C>T on transcript NM_001330078.2 (MANE Select); 109992 bases into the intron before coding-DNA position 3365, C replaced by T.
Molecular consequence: intron variant. On other transcripts: 5 prime UTR variant (4).
Genome position (GRCh38, 1-based): chr2:50,346,962, G>A on the plus strand (C>T on the coding strand, the complement: NRXN1 is on the minus strand). VCF-style: chr2-50346962-G-A. GRCh37 (hg19) VCF-style: chr2-50574100-G-A.
Other names: c.-13C>T (NM_001330091.2, NM_001330092.2, NM_001330097.2 and 1 more transcripts); c.3254-109992C>T (NM_001330096.2, NM_001330087.2); c.3299-109992C>T (NM_001330083.2, NM_001330084.2); c.3284-109992C>T (NM_001330088.2); c.3362-109992C>T (NM_001330093.2); c.3353-109992C>T (NM_001330094.2); c.3314-109992C>T (NM_001330095.2); c.3341-109992C>T (NM_001330082.2, NM_001330077.2); and 3 more.
Identifiers: ClinVar variation 206209 (VCV000206209.1), dbSNP rs796052761, ClinGen allele CA316069.